The following is an entry in ClinVar:

ClinVar aggregate classification (germline): Uncertain significance. Review status: criteria provided, multiple submitters, no conflicts (2 of 4 stars). 3 submissions from 3 submitters: Uncertain significance (3). Last evaluated 2026-03-04.

Conditions:
Brain small vessel disease 2A, autosomal dominant. Also called: Porencephaly 2. Identifiers: Orphanet 2940, Orphanet 99810, MedGen C3280970, MONDO:0013773, OMIM 614483.

Allele frequency attached by ClinVar (database versions not stated): gnomAD 0.00002 and 0.00001; gnomAD exomes below 0.00001; TOPMed below 0.00001.
gnomAD v4.1: 8 of 1,614,008 alleles (0.0005%); highest among the groups gnomAD compares: East Asian, 0.0022%; no homozygotes.

Submissions (3):

GeneDx
Classification: Uncertain significance. Last evaluated: 2026-03-04. Review status: criteria provided, single submitter. Criteria: GeneDx Variant Classification Process June 2021. Collection method: clinical testing. Allele origin: germline.
Comment: Identified via whole exome sequencing in a patient with an undiagnosed disorder in published literature (PMID: 33144682) but additional evidence is not available; In silico analysis supports that this missense variant has a deleterious effect on protein structure/function; This variant is associated with the following publications: (PMID: 33144682)

Labcorp Genetics (formerly Invitae), Labcorp
Classification: Uncertain significance. Last evaluated: 2025-03-31. Review status: criteria provided, single submitter. Criteria: Invitae Variant Classification Sherloc (09022015). Collection method: clinical testing. Allele origin: germline.
Comment: This sequence change replaces glycine, which is neutral and non-polar, with serine, which is neutral and polar, at codon 1200 of the COL4A2 protein (p.Gly1200Ser). This variant is present in population databases (no rsID available, gnomAD 0.002%). This variant has not been reported in the literature in individuals affected with COL4A2-related conditions. ClinVar contains an entry for this variant (Variation ID: 1185928). Invitae Evidence Modeling of protein sequence and biophysical properties (such as structural, functional, and spatial information, amino acid conservation, physicochemical variation, residue mobility, and thermodynamic stability) indicates that this missense variant is not expected to disrupt COL4A2 protein function with a negative predictive value of 80%. In summary, the available evidence is currently insufficient to determine the role of this variant in disease. Therefore, it has been classified as a Variant of Uncertain Significance.

Victorian Clinical Genetics Services, Murdoch Childrens Research Institute
Classification: Uncertain significance for Brain small vessel disease 2A, autosomal dominant. Last evaluated: 2024-10-10. Review status: criteria provided, single submitter. Criteria: ACMG Guidelines, 2015. Collection method: clinical testing. Allele origin: germline. Inheritance: Autosomal dominant inheritance. Affected: yes.
Comment: Based on the classification scheme VCGS_Germline_v1.3.5, this variant is classified as VUS-3A. Following criteria are met: 0105 - The mechanism of disease for this gene is not clearly established. The mechanism resembles that of the COL4A1 gene, including loss of function and dominant negative, with the latter resulting from glycine substitutions in the G-X-Y motif (PMIDs: 22209246, 22209247, 24001601). (I) 0107 - This gene is associated with autosomal dominant disease. However, there is emerging evidence of biallelic inheritance leading to intellectual disability, epilepsy, and spastic cerebral palsy (PMID: 33912663). (I) 0112 - The condition associated with this gene has incomplete penetrance (OMIM, PMID: 33912663). (I) 0115 - Variants in this gene are known to have variable expressivity (PMID: 27794444). (I) 0200 - Variant is predicted to result in a missense amino acid change from glycine to serine. (I) 0251 - This variant is heterozygous. (I) 0302 - Variant is present in gnomAD (v4) <0.001 for a dominant condition (8 heterozygotes, 0 homozygotes). (SP) 0501 - Missense variant consistently predicted to be damaging by multiple in silico tools or highly conserved with a major amino acid change. (SP) 0601 - Variant is located in the well-established functional Gly-X-Y motif within the collagen repeat domain and affects a glycine residue (DECIPHER). (SP) 0705 - No comparable missense variants have previous evidence for pathogenicity. (I) 0808 - Previous reports of pathogenicity for this variant are conflicting. This variant has been reported once as likely pathogenic and once as a VUS (ClinVar). (I) 0905 - No published segregation evidence has been identified for this variant. (I) 1007 - No published functional evidence has been identified for this variant. (I) Legend: (SP) - Supporting pathogenic, (I) - Information, (SB) - Supporting benign

Literature cited by the submitters: PubMed 22209246 (cited by Victorian Clinical Genetics Services, Murdoch Childrens Research Institute); PubMed 22209247 (cited by Victorian Clinical Genetics Services, Murdoch Childrens Research Institute); PubMed 24001601 (cited by Victorian Clinical Genetics Services, Murdoch Childrens Research Institute); PubMed 27794444 (cited by Victorian Clinical Genetics Services, Murdoch Childrens Research Institute); PubMed 33912663 (cited by Victorian Clinical Genetics Services, Murdoch Childrens Research Institute).

NM_001846.4(COL4A2):c.3598G>A (p.Gly1200Ser)

Gene: COL4A2 (collagen type IV alpha 2 chain; plus strand). Cytogenetic location: 13q34.
Variant type: single nucleotide variant.
Coding change: c.3598G>A on transcript NM_001846.4 (MANE Select); coding-DNA position 3598, G replaced by A.
Protein change: p.Gly1200Ser; replaces glycine 1200 with serine.
Molecular consequence: missense variant.
Genome position (GRCh38, 1-based): chr13:110,493,246, G>A. VCF-style: chr13-110493246-G-A. GRCh37 (hg19) VCF-style: chr13-111145593-G-A.
Other names: c.3598G>A (NM_001846.3); short protein forms G1200S.
Identifiers: ClinVar variation 1185928 (VCV001185928.7), dbSNP rs1271683445, ClinGen allele CA388732931.